The following is an entry in ClinVar:

ClinVar aggregate classification (germline): Uncertain significance. Review status: criteria provided, multiple submitters, no conflicts (2 of 4 stars). 2 submissions from 2 submitters: Uncertain significance (2). Last evaluated 2025-12-04.

Conditions:
Inborn genetic diseases. Identifiers: MedGen C0950123, MeSH D030342.
Nephronophthisis 9 (NPHP9). Identifiers: Orphanet 655, MedGen C3151188, MONDO:0013444, OMIM 613824.

Allele frequency attached by ClinVar (database versions not stated): TOPMed 0.00001; gnomAD 0.00001; ExAC 0.00002.
gnomAD v4.1: 8 of 1,614,032 alleles (0.0005%); highest among the groups gnomAD compares: Admixed American, 0.013%; no homozygotes.

Submissions (2):

Ambry Genetics
Classification: Uncertain significance for Inborn genetic diseases. Last evaluated: 2025-12-04. Review status: criteria provided, single submitter. Criteria: Ambry Variant Classification Scheme 2023. Collection method: clinical testing. Allele origin: germline.

Labcorp Genetics (formerly Invitae), Labcorp
Classification: Uncertain significance for Nephronophthisis 9. Last evaluated: 2024-04-10. Review status: criteria provided, single submitter. Criteria: Invitae Variant Classification Sherloc (09022015). Collection method: clinical testing. Allele origin: germline.
Comment: This sequence change replaces arginine, which is basic and polar, with glycine, which is neutral and non-polar, at codon 296 of the NEK8 protein (p.Arg296Gly). This variant is present in population databases (rs756135134, gnomAD 0.02%). This variant has not been reported in the literature in individuals affected with NEK8-related conditions. ClinVar contains an entry for this variant (Variation ID: 2040978). An algorithm developed to predict the effect of missense changes on protein structure and function (PolyPhen-2) suggests that this variant is likely to be tolerated. In summary, the available evidence is currently insufficient to determine the role of this variant in disease. Therefore, it has been classified as a Variant of Uncertain Significance.

NM_178170.3(NEK8):c.886A>G (p.Arg296Gly)

Gene: NEK8 (NIMA related kinase 8; plus strand). Cytogenetic location: 17q11.2.
Variant type: single nucleotide variant.
Coding change: c.886A>G on transcript NM_178170.3 (MANE Select); coding-DNA position 886, A replaced by G.
Protein change: p.Arg296Gly; replaces arginine 296 with glycine.
Molecular consequence: missense variant.
Genome position (GRCh38, 1-based): chr17:28,737,733, A>G. VCF-style: chr17-28737733-A-G. GRCh37 (hg19) VCF-style: chr17-27064751-A-G.
Other names: c.886A>G (NM_178170.2); short protein forms R296G.
Identifiers: ClinVar variation 2040978 (VCV002040978.5), dbSNP rs756135134, ClinGen allele CA8467228.